The following is an entry in ClinVar:

ClinVar aggregate classification (germline): Uncertain significance (1 of 4 stars; one submission).

Conditions:
Hereditary cancer-predisposing syndrome. Also called: Tumor predisposition; Hereditary neoplastic syndrome; Hereditary Cancer Syndrome; Neoplastic Syndromes, Hereditary. Identifiers: Orphanet 140162, MedGen C0027672, MeSH D009386, MONDO:0015356.

Submission:

Ambry Genetics
Classification: Uncertain significance for Hereditary cancer-predisposing syndrome. Last evaluated: 2025-06-07. Review status: criteria provided, single submitter. Criteria: Ambry Variant Classification Scheme 2023. Collection method: clinical testing. Allele origin: germline.
Comment: The p.E92G variant (also known as c.275A>G), located in coding exon 2 of the POLD1 gene, results from an A to G substitution at nucleotide position 275. The glutamic acid at codon 92 is replaced by glycine, an amino acid with similar properties. This amino acid position is conserved. In addition, this alteration is predicted to be tolerated by in silico analysis. Based on the available evidence, the clinical significance of this variant remains unclear.

NM_002691.4(POLD1):c.275A>G (p.Glu92Gly)

Gene: POLD1 (DNA polymerase delta 1, catalytic subunit; plus strand). Cytogenetic location: 19q13.33.
Variant type: single nucleotide variant.
Coding change: c.275A>G on transcript NM_002691.4 (MANE Select); coding-DNA position 275, A replaced by G.
Protein change: p.Glu92Gly; replaces glutamic acid 92 with glycine.
Molecular consequence: missense variant. On other transcripts: non-coding transcript variant (1).
Genome position (GRCh38, 1-based): chr19:50,399,443, A>G. VCF-style: chr19-50399443-A-G. GRCh37 (hg19) VCF-style: chr19-50902700-A-G.
Other names: c.275A>G, p.Glu92Gly (NM_001256849.1, NM_001308632.1); short protein forms E92G.
Identifiers: ClinVar variation 3935588 (VCV003935588.1).